The following is an entry in ClinVar:

ClinVar aggregate classification (germline): Uncertain significance. Review status: criteria provided, multiple submitters, no conflicts (2 of 4 stars). 3 submissions from 3 submitters: Uncertain significance (3). Last evaluated 2024-04-16.

Conditions:
Cardiomyopathy (CMYO). Also called: Cardiomyopathies. Identifiers: Orphanet 167848, MedGen C0878544, MONDO:0004994, HP:0001638. Inheritance: Various modes of inheritance.
Cardiovascular phenotype. Identifiers: MedGen CN230736.
Hypertrophic cardiomyopathy. Also called: HYPERTROPHIC MYOCARDIOPATHY. Identifiers: Orphanet 217569, MedGen C0007194, MeSH D002312, MONDO:0005045, HP:0001639.

Submissions (3):

All of Us Research Program, National Institutes of Health
Classification: Uncertain significance for Hypertrophic cardiomyopathy. Last evaluated: 2024-04-16. Review status: criteria provided, single submitter. Criteria: ACMG Guidelines, 2015. Collection method: clinical testing. Allele origin: germline. Inheritance: Autosomal dominant inheritance. Observed: 2 variant alleles, 2 heterozygotes.
Comment: This missense variant replaces glutamic acid with glycine at codon 66 of the TNNI3 protein. Computational prediction suggests that this variant may not impact protein structure and function (internally defined REVEL score threshold <= 0.5, PMID: 27666373). To our knowledge, functional studies have not been reported for this variant. This variant has not been reported in individuals affected with TNNI3-related disorders in the literature. This variant has not been identified in the general population by the Genome Aggregation Database (gnomAD). The available evidence is insufficient to determine the role of this variant in disease conclusively. Therefore, this variant is classified as a Variant of Uncertain Significance.

This study involves interpretation of variants in research participants for the purpose of population health screening. Participant phenotype was not available at the time of variant classification. Additional details can be found in publication PMID: 35346344, PMCID: PMC8962531

Color Diagnostics, LLC DBA Color Health
Classification: Uncertain significance for Cardiomyopathy. Last evaluated: 2024-03-28. Review status: criteria provided, single submitter. Criteria: ACMG Guidelines, 2015. Collection method: clinical testing. Allele origin: germline.
Comment: This missense variant replaces glutamic acid with glycine at codon 66 of the TNNI3 protein. Computational prediction suggests that this variant may not impact protein structure and function (internally defined REVEL score threshold <= 0.5, PMID: 27666373). To our knowledge, functional studies have not been reported for this variant. This variant has not been reported in individuals affected with TNNI3-related disorders in the literature. This variant has not been identified in the general population by the Genome Aggregation Database (gnomAD). The available evidence is insufficient to determine the role of this variant in disease conclusively. Therefore, this variant is classified as a Variant of Uncertain Significance.

Ambry Genetics
Classification: Uncertain significance for Cardiovascular phenotype. Last evaluated: 2023-11-23. Review status: criteria provided, single submitter. Criteria: Ambry Variant Classification Scheme 2023. Collection method: clinical testing. Allele origin: germline.
Comment: The p.E66G variant (also known as c.197A>G), located in coding exon 5 of the TNNI3 gene, results from an A to G substitution at nucleotide position 197. The glutamic acid at codon 66 is replaced by glycine, an amino acid with similar properties. This amino acid position is conserved. In addition, the in silico prediction for this alteration is inconclusive. Since supporting evidence is limited at this time, the clinical significance of this alteration remains unclear.

NM_000363.5(TNNI3):c.197A>G (p.Glu66Gly)

Gene: TNNI3 (troponin I3, cardiac type; minus strand). Cytogenetic location: 19q13.42.
Variant type: single nucleotide variant.
Coding change: c.197A>G on transcript NM_000363.5 (MANE Select); coding-DNA position 197, A replaced by G.
Protein change: p.Glu66Gly; replaces glutamic acid 66 with glycine.
Molecular consequence: missense variant.
Genome position (GRCh38, 1-based): chr19:55,156,286, T>C on the plus strand (A>G on the coding strand, the complement: TNNI3 is on the minus strand). VCF-style: chr19-55156286-T-C. GRCh37 (hg19) VCF-style: chr19-55667654-T-C.
Other names: short protein forms E66G.
Identifiers: ClinVar variation 2774622 (VCV002774622.5), dbSNP rs1047163086, ClinGen allele CA310149885.